The following is an entry in ClinVar:

ClinVar aggregate classification (germline): Uncertain significance (1 of 4 stars; one submission).

Conditions:
Perrault syndrome 4 (PRLTS4). Identifiers: Orphanet 2855, MedGen C3809105, MONDO:0014126, OMIM 615300.

Submission:

MGZ Medical Genetics Center
Classification: Uncertain significance for Perrault syndrome 4. Last evaluated: 2021-11-16. Review status: criteria provided, single submitter. Criteria: ACMG Guidelines, 2015. Collection method: clinical testing. Allele origin: germline. Affected: yes. Observed: 2 variant alleles.
Comment: ACMG criteria applied: PM2_SUP, PM3_SUP

NM_015340.4(LARS2):c.2608G>T (p.Val870Phe)

Gene: LARS2 (leucyl-tRNA synthetase 2, mitochondrial; plus strand). Cytogenetic location: 3p21.31.
Variant type: single nucleotide variant.
Coding change: c.2608G>T on transcript NM_015340.4 (MANE Select); coding-DNA position 2608, G replaced by T.
Protein change: p.Val870Phe; replaces valine 870 with phenylalanine.
Molecular consequence: missense variant.
Genome position (GRCh38, 1-based): chr3:45,547,426, G>T. VCF-style: chr3-45547426-G-T. GRCh37 (hg19) VCF-style: chr3-45588918-G-T.
Other names: c.2608G>T, p.Val870Phe (NM_001368263.1); short protein forms V870F.
Identifiers: ClinVar variation 1708966 (VCV001708966.2), dbSNP rs2529174977, ClinGen allele CA352431218.